The following is an entry in ClinVar:

NM_000321.3(RB1):c.2489+2T>C

Gene: RB1 (RB transcriptional corepressor 1; plus strand). Cytogenetic location: 13q14.2.
Variant type: single nucleotide variant.
Coding change: c.2489+2T>C on transcript NM_000321.3 (MANE Select); the canonical splice donor site of the intron after coding-DNA position 2489, T replaced by C.
Molecular consequence: splice donor variant.
Genome position (GRCh38, 1-based): chr13:48,465,370, T>C. VCF-style: chr13-48465370-T-C. GRCh37 (hg19) VCF-style: chr13-49039506-T-C.
Other names: c.2489+2T>C (NM_001407165.1).
Identifiers: ClinVar variation 458151 (VCV000458151.12), dbSNP rs1555294636, ClinGen allele CA388168096.

ClinVar aggregate classification (germline): Pathogenic (1 of 4 stars; one submission).

Conditions:
Retinoblastoma (RB1). Also called: RETINOBLASTOMA, SOMATIC. Identifiers: Orphanet 790, MedGen C0035335, MeSH D012175, MONDO:0008380, OMIM 180200, HP:0009919. Disease mechanism: loss of function. Inheritance: Both sporadic and heritable forms are tested..

Submission:

Labcorp Genetics (formerly Invitae), Labcorp
Classification: Pathogenic for Retinoblastoma. Last evaluated: 2019-12-05. Review status: criteria provided, single submitter. Criteria: Invitae Variant Classification Sherloc (09022015). Collection method: clinical testing. Allele origin: germline.
Comment: For these reasons, this variant has been classified as Pathogenic. This sequence change affects a donor splice site in intron 23 of the RB1 gene. It is expected to disrupt RNA splicing and likely results in an absent or disrupted protein product. Donor and acceptor splice site variants typically lead to a loss of protein function (PMID: 16199547), and loss-of-function variants in RB1 are known to be pathogenic (PMID: 17096365). Disruption of this splice site has been observed in individuals with retinoblastoma (PMID: 23301675, 23532519, 30031154, 12541220, Invitae). ClinVar contains an entry for this variant (Variation ID: 458151). This variant is not present in population databases (ExAC no frequency).

Literature cited by the submitters: PubMed 16199547; PubMed 17096365; PubMed 23301675; PubMed 23532519; PubMed 30031154; PubMed 12541220.